The following is an entry in ClinVar:

NM_014363.6(SACS):c.1912T>G (p.Cys638Gly)

Gene: SACS (sacsin molecular chaperone; minus strand). Cytogenetic location: 13q12.12.
Variant type: single nucleotide variant.
Coding change: c.1912T>G on transcript NM_014363.6 (MANE Select); coding-DNA position 1912, T replaced by G.
Protein change: p.Cys638Gly; replaces cysteine 638 with glycine.
Molecular consequence: missense variant.
Genome position (GRCh38, 1-based): chr13:23,354,700, A>C on the plus strand (T>G on the coding strand, the complement: SACS is on the minus strand). VCF-style: chr13-23354700-A-C. GRCh37 (hg19) VCF-style: chr13-23928839-A-C.
Other names: c.1471T>G, p.Cys491Gly (NM_001278055.2); short protein forms C638G, C491G.
Identifiers: ClinVar variation 311558 (VCV000311558.22), dbSNP rs200333323, ClinGen allele CA6911820.

ClinVar aggregate classification (germline): Conflicting classifications of pathogenicity. Review status: criteria provided, conflicting classifications (1 of 4 stars). 8 submissions from 8 submitters: Uncertain significance (2); Likely benign (5). 1 of the submissions does not count toward it. Last evaluated 2026-01-11.

Conditions:
SACS-related disorder. Also called: SACS-related condition.
Charlevoix-Saguenay spastic ataxia (SACS). Also called: SPASTIC ATAXIA 6, AUTOSOMAL RECESSIVE; AUTOSOMAL RECESSIVE SPASTIC ATAXIA OF CHARLEVOIX-SAGUENAY; Spastic ataxia of Charlevoix-Saguenay. Identifiers: Orphanet 98, MedGen C1849140, MONDO:0010041, OMIM 270550.
Spastic paraplegia. Identifiers: MedGen C0037772, HP:0001258.
Hereditary spastic paraplegia. Also called: Familial spastic paraparesis. Identifiers: Orphanet 685, MedGen C0037773, MONDO:0019064. Disease mechanism: loss of function.
Inborn genetic diseases. Identifiers: MedGen C0950123, MeSH D030342.

Allele frequency attached by ClinVar (database versions not stated): gnomAD 0.00007 and 0.00008; TOPMed 0.00007; ExAC 0.00010; gnomAD exomes 0.00013.
gnomAD v4.1: 190 of 1,613,762 alleles (0.012%); highest among the groups gnomAD compares: Admixed American, 0.017%; no homozygotes.

Submissions (8):

Labcorp Genetics (formerly Invitae), Labcorp
Classification: Likely benign for Spastic paraplegia. Last evaluated: 2026-01-11. Review status: criteria provided, single submitter. Criteria: Invitae Variant Classification Sherloc (09022015). Collection method: clinical testing. Allele origin: germline.

Blueprint Genetics
Classification: Likely benign. Last evaluated: 2024-11-26. Review status: criteria provided, single submitter. Criteria: ACMG Guidelines, 2015. Collection method: clinical testing. Allele origin: germline.

Ambry Genetics
Classification: Likely benign for Inborn genetic diseases. Last evaluated: 2024-08-02. Review status: criteria provided, single submitter. Criteria: Ambry Variant Classification Scheme 2023. Collection method: clinical testing. Allele origin: germline.

Genome-Nilou Lab
Classification: Likely benign for Charlevoix-Saguenay spastic ataxia. Last evaluated: 2021-09-05. Review status: criteria provided, single submitter. Criteria: ACMG Guidelines, 2015. Collection method: clinical testing. Allele origin: germline. Affected: no.

Athena Diagnostics
Classification: Likely benign. Last evaluated: 2020-02-06. Review status: criteria provided, single submitter. Criteria: Athena Diagnostics Criteria. Collection method: clinical testing. Allele origin: unknown.

Illumina Laboratory Services, Illumina
Classification: Uncertain significance for Charlevoix-Saguenay spastic ataxia. Last evaluated: 2018-01-13. Review status: criteria provided, single submitter. Criteria: ICSL Variant Classification Criteria 13 December 2019. Collection method: clinical testing. Allele origin: germline.

Genome Diagnostics Laboratory, The Hospital for Sick Children
Classification: Uncertain significance for Hereditary spastic paraplegia. Last evaluated: 2017-10-02. Review status: criteria provided, single submitter. Criteria: ACMG Guidelines, 2015. Collection method: clinical testing. Allele origin: germline. Affected: yes.

PreventionGenetics, part of Exact Sciences
Classification: Uncertain significance for SACS-related condition. Last evaluated: 2024-07-30. Review status: no assertion criteria provided. Collection method: clinical testing. Allele origin: germline. Not counted in ClinVar's aggregate classification.
Comment: The SACS c.1912T>G variant is predicted to result in the amino acid substitution p.Cys638Gly. To our knowledge, this variant has not been reported in the literature. This variant is reported in 0.12% of alleles in individuals of Ashkenazi Jewish descent in gnomAD. Although we suspect that this variant may be benign, at this time, the clinical significance of this variant is uncertain due to the absence of conclusive functional and genetic evidence.